The following is an entry in ClinVar:

NM_003742.4(ABCB11):c.3768G>A (p.Thr1256=)

Gene: ABCB11 (ATP binding cassette subfamily B member 11; minus strand). Cytogenetic location: 2q31.1.
Variant type: single nucleotide variant.
Coding change: c.3768G>A on transcript NM_003742.4 (MANE Select); coding-DNA position 3768, G replaced by A.
Protein change: p.Thr1256=; no amino-acid change (threonine 1256 retained).
Molecular consequence: synonymous variant.
Genome position (GRCh38, 1-based): chr2:168,923,820, C>T on the plus strand (G>A on the coding strand, the complement: ABCB11 is on the minus strand). VCF-style: chr2-168923820-C-T. GRCh37 (hg19) VCF-style: chr2-169780330-C-T.
Other names: c.3768G>A, p.Thr1256= (LRG_1199t1).
Identifiers: ClinVar variation 384753 (VCV000384753.9), dbSNP rs773371540, ClinGen allele CA1950926.
Genomic context (GRCh38, chr2:168,923,820, plus strand): 5'-GCGATGGGCAATGACAATGCAGGTCCGACCCTCTCTGGCTTTGTCTAGAGCAACCTGCAC[C>T]GTCTGCAAAGAGAAGATGGAAAGTTGATGCAAAGATGCATGATTGCTCCCCAGCCCACCA-3'
Protein context (NP_003733.2, residues 1246-1266): TSALDTESEK[Thr1256=]VQVALDKARE

ClinVar aggregate classification (germline): Conflicting classifications of pathogenicity. Review status: criteria provided, conflicting classifications (1 of 4 stars). 4 submissions from 4 submitters: Uncertain significance (1); Likely benign (3). Last evaluated 2025-04-08.

Conditions:
ABCB11-related disorder. Also called: ABCB11-related condition.

Allele frequency attached by ClinVar (database versions not stated): gnomAD 0.00001; gnomAD exomes 0.00001; TOPMed 0.00001; ExAC 0.00002.
gnomAD v4.1: 9 of 1,613,708 alleles (0.00056%); highest among the groups gnomAD compares: East Asian, 0.0022%; no homozygotes.

Submissions (4):

PreventionGenetics, part of Exact Sciences
Classification: Likely benign for ABCB11-related condition. Last evaluated: 2025-04-08. Review status: criteria provided, single submitter. Criteria: ACMG Guidelines, 2015. Collection method: clinical testing. Allele origin: germline.
Comment: This variant is classified as likely benign based on ACMG/AMP sequence variant interpretation guidelines (Richards et al. 2015 PMID: 25741868, with internal and published modifications).

Labcorp Genetics (formerly Invitae), Labcorp
Classification: Likely benign. Last evaluated: 2024-02-23. Review status: criteria provided, single submitter. Criteria: Invitae Variant Classification Sherloc (09022015). Collection method: clinical testing. Allele origin: germline.

Eurofins Ntd Llc (ga)
Classification: Uncertain significance. Last evaluated: 2017-12-21. Review status: criteria provided, single submitter. Criteria: EGL Classification Definitions 2015. Collection method: clinical testing. Allele origin: germline. Observed: 1 variant allele, 1 heterozygote.

GeneDx
Classification: Likely benign. Last evaluated: 2016-03-11. Review status: criteria provided, single submitter. Criteria: GeneDx Variant Classification (06012015). Collection method: clinical testing. Allele origin: germline. Affected: yes.
Comment: This variant is considered likely benign or benign based on one or more of the following criteria: it is a conservative change, it occurs at a poorly conserved position in the protein, it is predicted to be benign by multiple in silico algorithms, and/or has population frequency not consistent with disease.